The following is an entry in ClinVar:

ClinVar aggregate classification (germline): Conflicting classifications of pathogenicity. Review status: criteria provided, conflicting classifications (1 of 4 stars). 2 submissions from 2 submitters: Uncertain significance (1); Benign (1). Last evaluated 2023-10-05.

Conditions:
Emery-Dreifuss muscular dystrophy 5, autosomal dominant (EDMD5). Also called: EMERY-DREIFUSS MUSCULAR DYSTROPHY 5. Identifiers: Orphanet 261, MedGen C2751805, MONDO:0013072, OMIM 612999.

Allele frequency attached by ClinVar (database versions not stated): TOPMed below 0.00001; gnomAD 0.00001; gnomAD exomes 0.00001 and 0.00004; ExAC 0.00002.
gnomAD v4.1: 15 of 1,613,410 alleles (0.00093%); highest among the groups gnomAD compares: Admixed American, 0.025%; no homozygotes.

Submissions (2):

Labcorp Genetics (formerly Invitae), Labcorp
Classification: Uncertain significance for Emery-Dreifuss muscular dystrophy 5, autosomal dominant. Last evaluated: 2023-10-05. Review status: criteria provided, single submitter. Criteria: Invitae Variant Classification Sherloc (09022015). Collection method: clinical testing. Allele origin: germline.
Comment: This sequence change replaces histidine, which is basic and polar, with tyrosine, which is neutral and polar, at codon 440 of the SYNE2 protein (p.His440Tyr). This variant is present in population databases (rs761844853, gnomAD 0.03%). This variant has not been reported in the literature in individuals affected with SYNE2-related conditions. ClinVar contains an entry for this variant (Variation ID: 313487). Algorithms developed to predict the effect of missense changes on protein structure and function output the following: SIFT: "Not Available"; PolyPhen-2: "Benign"; Align-GVGD: "Not Available". The tyrosine amino acid residue is found in multiple mammalian species, which suggests that this missense change does not adversely affect protein function. In summary, the available evidence is currently insufficient to determine the role of this variant in disease. Therefore, it has been classified as a Variant of Uncertain Significance.

Illumina Laboratory Services, Illumina
Classification: Benign for Emery-Dreifuss muscular dystrophy 5, autosomal dominant. Last evaluated: 2018-01-12. Review status: criteria provided, single submitter. Criteria: ICSL Variant Classification Criteria 13 December 2019. Collection method: clinical testing. Allele origin: germline.
Comment: This variant was observed in the ICSL laboratory as part of a predisposition screen in an ostensibly healthy population. It had not been previously curated by ICSL or reported in the Human Gene Mutation Database (HGMD: prior to June 1st, 2018), and was therefore a candidate for classification through an automated scoring system. Utilizing variant allele frequency, disease prevalence and penetrance estimates, and inheritance mode, an automated score was calculated to assess if this variant is too frequent to cause the disease. Based on the score and internal cut-off values, a variant classified as benign is not then subjected to further curation. The score for this variant resulted in a classification of benign for this disease.

NM_182914.3(SYNE2):c.1318C>T (p.His440Tyr)

Gene: SYNE2 (spectrin repeat containing nuclear envelope protein 2; plus strand). Cytogenetic location: 14q23.2.
Variant type: single nucleotide variant.
Coding change: c.1318C>T on transcript NM_182914.3 (MANE Select); coding-DNA position 1318, C replaced by T.
Protein change: p.His440Tyr; replaces histidine 440 with tyrosine.
Molecular consequence: missense variant.
Genome position (GRCh38, 1-based): chr14:63,977,929, C>T. VCF-style: chr14-63977929-C-T. GRCh37 (hg19) VCF-style: chr14-64444647-C-T.
Other names: c.1318C>T, p.His440Tyr (NM_015180.6); short protein forms H440Y.
Identifiers: ClinVar variation 313487 (VCV000313487.14), dbSNP rs761844853, ClinGen allele CA7219408.